The following is an entry in ClinVar:

NM_053025.4(MYLK):c.5584G>T (p.Asp1862Tyr)

Genes: MYLK (myosin light chain kinase; minus strand), MYLK-AS1 (MYLK antisense RNA 1; plus strand). Cytogenetic location: 3q21.1.
Variant type: single nucleotide variant.
Coding change: c.5584G>T on transcript NM_053025.4 (MANE Select); coding-DNA position 5584, G replaced by T.
Protein change: p.Asp1862Tyr; replaces aspartic acid 1862 with tyrosine.
Molecular consequence: missense variant.
Genome position (GRCh38, 1-based): chr3:123,614,266, C>A on the plus strand (G>T on the coding strand, the complement: MYLK is on the minus strand). VCF-style: chr3-123614266-C-A. GRCh37 (hg19) VCF-style: chr3-123333113-C-A.
Other names: c.5056G>T, p.Asp1686Tyr (NM_001321309.2); c.5377G>T, p.Asp1793Tyr (NM_053026.4); c.5431G>T, p.Asp1811Tyr (NM_053027.4); c.5224G>T, p.Asp1742Tyr (NM_053028.4); c.301G>T, p.Asp101Tyr (NM_053031.4); c.304G>T, p.Asp102Tyr (NM_053032.4); short protein forms D1686Y, D1793Y, D1862Y, D101Y, D1742Y, D102Y, D1811Y.
Identifiers: ClinVar variation 3297618 (VCV003297618.1).

ClinVar aggregate classification (germline): Uncertain significance (1 of 4 stars; one submission).

Conditions:
Familial thoracic aortic aneurysm and aortic dissection (TAAD). Also called: Thoracic aortic aneurysms and dissections. Identifiers: Orphanet 91387, MedGen C4707243, MONDO:0019625.

Submission:

Ambry Genetics
Classification: Uncertain significance for Familial thoracic aortic aneurysm and aortic dissection. Last evaluated: 2024-06-09. Review status: criteria provided, single submitter. Criteria: Ambry Variant Classification Scheme 2023. Collection method: clinical testing. Allele origin: germline.
Comment: The p.D1862Y variant (also known as c.5584G>T), located in coding exon 31 of the MYLK gene, results from a G to T substitution at nucleotide position 5584. The aspartic acid at codon 1862 is replaced by tyrosine, an amino acid with highly dissimilar properties. This amino acid position is conserved. In addition, the in silico prediction for this alteration is inconclusive. Based on the available evidence, the clinical significance of this variant remains unclear.